The following is an entry in ClinVar:

NM_005228.5(EGFR):c.1597A>G (p.Arg533Gly)

Gene: EGFR (epidermal growth factor receptor; plus strand). Cytogenetic location: 7p11.2.
Variant type: single nucleotide variant.
Coding change: c.1597A>G on transcript NM_005228.5 (MANE Select); coding-DNA position 1597, A replaced by G.
Protein change: p.Arg533Gly; replaces arginine 533 with glycine.
Molecular consequence: missense variant.
Genome position (GRCh38, 1-based): chr7:55,161,597, A>G. VCF-style: chr7-55161597-A-G. GRCh37 (hg19) VCF-style: chr7-55229290-A-G.
Other names: c.1597A>G, p.Arg533Gly (NM_001346898.2, NM_201282.2, NM_201284.2); c.1462A>G, p.Arg488Gly (NM_001346899.2, NM_001346897.2); c.1438A>G, p.Arg480Gly (NM_001346900.2); c.796A>G, p.Arg266Gly (NM_001346941.2); short protein forms R488G, R533G, R266G, R480G.
Identifiers: ClinVar variation 1513312 (VCV001513312.6), dbSNP rs2128942979, ClinGen allele CA367579967.

ClinVar aggregate classification (germline): Uncertain significance (1 of 4 stars; one submission).

Conditions:
EGFR-related lung cancer (EGFR). Identifiers: MedGen CN130014.

Submission:

Labcorp Genetics (formerly Invitae), Labcorp
Classification: Uncertain significance for EGFR-related lung cancer. Last evaluated: 2021-10-23. Review status: criteria provided, single submitter. Criteria: Invitae Variant Classification Sherloc (09022015). Collection method: clinical testing. Allele origin: germline.
Comment: This sequence change replaces arginine with glycine at codon 533 of the EGFR protein (p.Arg533Gly). The arginine residue is weakly conserved and there is a moderate physicochemical difference between arginine and glycine. In summary, the available evidence is currently insufficient to determine the role of this variant in disease. Therefore, it has been classified as a Variant of Uncertain Significance. Algorithms developed to predict the effect of missense changes on protein structure and function (SIFT, PolyPhen-2, Align-GVGD) all suggest that this variant is likely to be tolerated. This variant has not been reported in the literature in individuals affected with EGFR-related conditions. This variant is not present in population databases (ExAC no frequency).